The following is an entry in ClinVar:

NM_001211.6(BUB1B):c.2768A>G (p.Asp923Gly)

Genes: BUB1B (BUB1 mitotic checkpoint serine/threonine kinase B; plus strand), BUB1B-PAK6 (BUB1B-PAK6 readthrough; plus strand). Cytogenetic location: 15q15.1.
Variant type: single nucleotide variant.
Coding change: c.2768A>G on transcript NM_001211.6 (MANE Select); coding-DNA position 2768, A replaced by G.
Protein change: p.Asp923Gly; replaces aspartic acid 923 with glycine.
Molecular consequence: missense variant. On other transcripts: 5 prime UTR variant (2).
Genome position (GRCh38, 1-based): chr15:40,217,585, A>G. VCF-style: chr15-40217585-A-G. GRCh37 (hg19) VCF-style: chr15-40509786-A-G.
Other names: c.-283A>G (NM_001128628.3); c.-200A>G (NM_001128629.3); short protein forms D923G.
Identifiers: ClinVar variation 1795757 (VCV001795757.2), dbSNP rs2542584865, ClinGen allele CA391687905.

ClinVar aggregate classification (germline): Uncertain significance (1 of 4 stars; one submission).

Conditions:
Inborn genetic diseases. Identifiers: MedGen C0950123, MeSH D030342.

Submission:

Ambry Genetics
Classification: Uncertain significance for Inborn genetic diseases. Last evaluated: 2021-08-07. Review status: criteria provided, single submitter. Criteria: Ambry Variant Classification Scheme 2023. Collection method: clinical testing. Allele origin: germline.
Comment: The p.D923G variant (also known as c.2768A>G), located in coding exon 21 of the BUB1B gene, results from an A to G substitution at nucleotide position 2768. The aspartic acid at codon 923 is replaced by glycine, an amino acid with similar properties. This amino acid position is conserved. In addition, this alteration is predicted to be tolerated by in silico analysis. Since supporting evidence is limited at this time, the clinical significance of this alteration remains unclear.